The following is an entry in ClinVar:

NM_000138.5(FBN1):c.2886C>A (p.Tyr962Ter)

Gene: FBN1 (fibrillin 1; minus strand). Cytogenetic location: 15q21.1.
Variant type: single nucleotide variant.
Coding change: c.2886C>A on transcript NM_000138.5 (MANE Select); coding-DNA position 2886, C replaced by A.
Protein change: p.Tyr962Ter; replaces tyrosine 962 with a stop codon.
Molecular consequence: nonsense.
Genome position (GRCh38, 1-based): chr15:48,490,047, G>T on the plus strand (C>A on the coding strand, the complement: FBN1 is on the minus strand). VCF-style: chr15-48490047-G-T. GRCh37 (hg19) VCF-style: chr15-48782244-G-T.
Other names: short protein forms Y962*.
Identifiers: ClinVar variation 684589 (VCV000684589.6), dbSNP rs772108557, ClinGen allele CA392330041.

ClinVar aggregate classification (germline): Pathogenic. Review status: criteria provided, multiple submitters, no conflicts (2 of 4 stars). 3 submissions from 3 submitters: Pathogenic (2). 1 of the submissions does not count toward it. Last evaluated 2023-06-16.

Conditions:
Marfan syndrome (MFS). Also called: MARFAN SYNDROME, TYPE I; FBN1-Related Marfan Syndrome; Marfan syndrome type 1; Marfan's syndrome; Marfan syndrome, classic. Identifiers: Orphanet 284963, Orphanet 558, MedGen C0024796, MONDO:0007947, OMIM 154700.
Familial thoracic aortic aneurysm and aortic dissection (TAAD). Also called: Thoracic aortic aneurysms and dissections. Identifiers: Orphanet 91387, MedGen C4707243, MONDO:0019625.

Submissions (3):

Labcorp Genetics (formerly Invitae), Labcorp
Classification: Pathogenic for Marfan syndrome; Familial thoracic aortic aneurysm and aortic dissection. Last evaluated: 2023-06-16. Review status: criteria provided, single submitter. Criteria: Invitae Variant Classification Sherloc (09022015). Collection method: clinical testing. Allele origin: germline.
Comment: This premature translational stop signal has been observed in individual(s) with Marfan syndrome (PMID: 31730815). For these reasons, this variant has been classified as Pathogenic. ClinVar contains an entry for this variant (Variation ID: 684589). This variant is not present in population databases (gnomAD no frequency). This sequence change creates a premature translational stop signal (p.Tyr962*) in the FBN1 gene. It is expected to result in an absent or disrupted protein product. Loss-of-function variants in FBN1 are known to be pathogenic (PMID: 17657824, 19293843).

Juno Genomics, Hangzhou Juno Genomics, Inc
Classification: Pathogenic for Marfan syndrome. Review status: criteria provided, single submitter. Criteria: ACMG Guidelines, 2015. Collection method: clinical testing. Allele origin: germline. Affected: yes.
Comment: Absent from controls (or at extremely low frequency if recessive) in Genome Aggregation Database, Exome Sequencing Project, 1000 Genomes Project, or Exome Aggregation Consortium.;Null variant in a gene where loss of function (LOF) is a known mechanism of disease.;The prevalence of the variant in affected individuals is significantly increased compared to the prevalence in controls.

Sangiuolo Lab - Medical Genetics Laboratory, Tor Vergata University
Classification: Pathogenic for Marfan syndrome. Last evaluated: 2019-06-06. Review status: no assertion criteria provided. Collection method: clinical testing. Allele origin: germline. Affected: yes. Not counted in ClinVar's aggregate classification.

Literature cited by the submitters: PubMed 31730815 (cited by Labcorp Genetics (formerly Invitae), Labcorp and Sangiuolo Lab - Medical Genetics Laboratory, Tor Vergata University); PubMed 17657824 (cited by Labcorp Genetics (formerly Invitae), Labcorp); PubMed 19293843 (cited by Labcorp Genetics (formerly Invitae), Labcorp).